The following is an entry in ClinVar:

NM_000256.3(MYBPC3):c.2886G>A (p.Val962=)

Gene: MYBPC3 (myosin binding protein C3; minus strand). Cytogenetic location: 11p11.2.
Variant type: single nucleotide variant.
Coding change: c.2886G>A on transcript NM_000256.3 (MANE Select); coding-DNA position 2886, G replaced by A.
Protein change: p.Val962=; no amino-acid change (valine 962 retained).
Molecular consequence: synonymous variant.
Genome position (GRCh38, 1-based): chr11:47,335,061, C>T on the plus strand (G>A on the coding strand, the complement: MYBPC3 is on the minus strand). VCF-style: chr11-47335061-C-T. GRCh37 (hg19) VCF-style: chr11-47356612-C-T.
Identifiers: ClinVar variation 704025 (VCV000704025.16), dbSNP rs369685402, ClinGen allele CA078996.

ClinVar aggregate classification (germline): Likely benign. Review status: criteria provided, multiple submitters, no conflicts (2 of 4 stars). 5 submissions from 5 submitters: Likely benign (5). Last evaluated 2025-12-24.

Conditions:
Cardiovascular phenotype. Identifiers: MedGen CN230736.
Cardiomyopathy (CMYO). Also called: Cardiomyopathies. Identifiers: Orphanet 167848, MedGen C0878544, MONDO:0004994, HP:0001638. Inheritance: Various modes of inheritance.
Hypertrophic cardiomyopathy. Also called: HYPERTROPHIC MYOCARDIOPATHY. Identifiers: Orphanet 217569, MedGen C0007194, MeSH D002312, MONDO:0005045, HP:0001639.

Allele frequency attached by ClinVar (database versions not stated): gnomAD exomes below 0.00001 and 0.00003; ExAC 0.00004; gnomAD 0.00004; TOPMed 0.00006; ESP Exome Variant Server 0.00008.
gnomAD v4.1: 13 of 1,575,374 alleles (0.00083%); highest among the groups gnomAD compares: African/African-American, 0.016%; no homozygotes.

Submissions (5):

Labcorp Genetics (formerly Invitae), Labcorp
Classification: Likely benign for Hypertrophic cardiomyopathy. Last evaluated: 2025-12-24. Review status: criteria provided, single submitter. Criteria: Invitae Variant Classification Sherloc (09022015). Collection method: clinical testing. Allele origin: germline.

All of Us Research Program, National Institutes of Health
Classification: Likely benign for Hypertrophic cardiomyopathy. Last evaluated: 2023-11-30. Review status: criteria provided, single submitter. Criteria: ACMG Guidelines, 2015. Collection method: clinical testing. Allele origin: germline. Inheritance: Autosomal dominant inheritance. Observed: 2 variant alleles, 2 heterozygotes.
Comment: This study involves interpretation of variants in research participants for the purpose of population health screening. Participant phenotype was not available at the time of variant classification. Additional details can be found in publication PMID: 35346344, PMCID: PMC8962531

CHEO Genetics Diagnostic Laboratory, Children's Hospital of Eastern Ontario
Classification: Likely benign for Cardiomyopathy. Last evaluated: 2020-01-20. Review status: criteria provided, single submitter. Criteria: ACMG Guidelines, 2015. Collection method: clinical testing. Allele origin: germline.

Color Diagnostics, LLC DBA Color Health
Classification: Likely benign for Cardiomyopathy. Last evaluated: 2020-01-15. Review status: criteria provided, single submitter. Criteria: ACMG Guidelines, 2015. Collection method: clinical testing. Allele origin: germline.

Ambry Genetics
Classification: Likely benign for Cardiovascular phenotype. Last evaluated: 2019-11-21. Review status: criteria provided, single submitter. Criteria: Ambry Variant Classification Scheme 2023. Collection method: clinical testing. Allele origin: germline.